The following is an entry in ClinVar:

ClinVar aggregate classification (germline): Uncertain significance (1 of 4 stars; one submission).

Submission:

Labcorp Genetics (formerly Invitae), Labcorp
Classification: Uncertain significance. Last evaluated: 2023-10-10. Review status: criteria provided, single submitter. Criteria: Invitae Variant Classification Sherloc (09022015). Collection method: clinical testing. Allele origin: germline.
Comment: This sequence change replaces leucine, which is neutral and non-polar, with phenylalanine, which is neutral and non-polar, at codon 377 of the RAI1 protein (p.Leu377Phe). This variant is not present in population databases (gnomAD no frequency). This variant has not been reported in the literature in individuals affected with RAI1-related conditions. Advanced modeling of protein sequence and biophysical properties (such as structural, functional, and spatial information, amino acid conservation, physicochemical variation, residue mobility, and thermodynamic stability) performed at Invitae indicates that this missense variant is expected to disrupt RAI1 protein function. In summary, the available evidence is currently insufficient to determine the role of this variant in disease. Therefore, it has been classified as a Variant of Uncertain Significance.

NM_030665.4(RAI1):c.1129C>T (p.Leu377Phe)

Gene: RAI1 (retinoic acid induced 1; plus strand). Cytogenetic location: 17p11.2.
Variant type: single nucleotide variant.
Coding change: c.1129C>T on transcript NM_030665.4 (MANE Select); coding-DNA position 1129, C replaced by T.
Protein change: p.Leu377Phe; replaces leucine 377 with phenylalanine.
Molecular consequence: missense variant.
Genome position (GRCh38, 1-based): chr17:17,794,077, C>T. VCF-style: chr17-17794077-C-T. GRCh37 (hg19) VCF-style: chr17-17697391-C-T.
Other names: short protein forms L377F.
Identifiers: ClinVar variation 2744422 (VCV002744422.3), dbSNP rs2508573816, ClinGen allele CA398546956.
Genomic context (GRCh38, chr17:17,794,077, plus strand): 5'-AGTTCCACACCGTCGCCGCTGATGCCAAACCTGGAGAACTTTCCCTACAGCCAGCAGCCG[C>T]TCAGCACCGGGGCCTTCCCCGCAGGGATCACTGACCACAGCCACTTCATGCCCCTGCTCA-3'
Protein context (NP_109590.3, residues 367-387): LENFPYSQQP[Leu377Phe]STGAFPAGIT